The following is an entry in ClinVar:

ClinVar aggregate classification (germline): Uncertain significance (1 of 4 stars; one submission).

Conditions:
Alpha thalassemia-X-linked intellectual disability syndrome (ATRX). Also called: ATR-X syndrome; Alpha thalassemia mental retardation syndrome, nondeletion type, X-linked; XLMR hypotonic face syndrome; X-linked alpha-thalassemia-mental retardation syndrome; ALPHA-THALASSEMIA/IMPAIRED INTELLECTUAL DEVELOPMENT SYNDROME, X-LINKED; ALPHA-THALASSEMIA/MENTAL RETARDATION SYNDROME, X-LINKED. Identifiers: Orphanet 847, MedGen C1845055, MONDO:0010519, OMIM 301040.

Submission:

Labcorp Genetics (formerly Invitae), Labcorp
Classification: Uncertain significance for Alpha thalassemia-X-linked intellectual disability syndrome. Last evaluated: 2021-08-11. Review status: criteria provided, single submitter. Criteria: Invitae Variant Classification Sherloc (09022015). Collection method: clinical testing. Allele origin: germline.
Comment: This sequence change replaces valine with isoleucine at codon 659 of the ATRX protein (p.Val659Ile). The valine residue is highly conserved and there is a small physicochemical difference between valine and isoleucine. This variant is not present in population databases (ExAC no frequency). This variant has not been reported in the literature in individuals affected with ATRX-related conditions. Algorithms developed to predict the effect of missense changes on protein structure and function are either unavailable or do not agree on the potential impact of this missense change (SIFT: "Tolerated"; PolyPhen-2: "Probably Damaging"; Align-GVGD: "Class C0"). In summary, the available evidence is currently insufficient to determine the role of this variant in disease. Therefore, it has been classified as a Variant of Uncertain Significance.

NM_000489.6(ATRX):c.1975G>A (p.Val659Ile)

Gene: ATRX (ATRX chromatin remodeler; minus strand). Cytogenetic location: Xq21.1.
Variant type: single nucleotide variant.
Coding change: c.1975G>A on transcript NM_000489.6 (MANE Select); coding-DNA position 1975, G replaced by A.
Protein change: p.Val659Ile; replaces valine 659 with isoleucine.
Molecular consequence: missense variant.
Genome position (GRCh38, 1-based): chrX:77,683,281, C>T on the plus strand (G>A on the coding strand, the complement: ATRX is on the minus strand). VCF-style: chrX-77683281-C-T. GRCh37 (hg19) VCF-style: chrX-76938773-C-T.
Other names: c.1861G>A, p.Val621Ile (NM_138270.5); short protein forms V621I, V659I.
Identifiers: ClinVar variation 1410584 (VCV001410584.6), dbSNP rs2148610218, ClinGen allele CA413715124.